The following is an entry in ClinVar:

ClinVar aggregate classification (germline): Likely benign. Review status: criteria provided, multiple submitters, no conflicts (2 of 4 stars). 3 submissions from 3 submitters: Likely benign (3). Last evaluated 2025-02-28.

Conditions:
RAB27A-related disorder. Also called: RAB27A-related condition.
Griscelli syndrome type 2 (GS2). Also called: PAID SYNDROME; PARTIAL ALBINISM AND IMMUNODEFICIENCY SYNDROME; GRISCELLI SYNDROME WITH HEMOPHAGOCYTIC SYNDROME. Identifiers: Orphanet 381, Orphanet 79477, MedGen C1868679, MONDO:0011872, OMIM 607624.

Allele frequency attached by ClinVar (database versions not stated): gnomAD 0.00006; TOPMed 0.00007; gnomAD exomes 0.00012 and 0.00013; ESP Exome Variant Server 0.00015; ExAC 0.00022.
gnomAD v4.1: 193 of 1,610,576 alleles (0.012%); highest among the groups gnomAD compares: Non-Finnish European, 0.016%; no homozygotes.

Submissions (3):

Labcorp Genetics (formerly Invitae), Labcorp
Classification: Likely benign for Griscelli syndrome type 2. Last evaluated: 2025-02-28. Review status: criteria provided, single submitter. Criteria: Invitae Variant Classification Sherloc (09022015). Collection method: clinical testing. Allele origin: germline.

PreventionGenetics, part of Exact Sciences
Classification: Likely benign for RAB27A-related condition. Last evaluated: 2024-11-11. Review status: criteria provided, single submitter. Criteria: ACMG Guidelines, 2015. Collection method: clinical testing. Allele origin: germline.
Comment: This variant is classified as likely benign based on ACMG/AMP sequence variant interpretation guidelines (Richards et al. 2015 PMID: 25741868, with internal and published modifications).

Blueprint Genetics
Classification: Likely benign. Last evaluated: 2024-01-08. Review status: criteria provided, single submitter. Criteria: ACMG Guidelines, 2015. Collection method: clinical testing. Allele origin: germline.

NM_183235.3(RAB27A):c.468-4C>T

Gene: RAB27A (RAB27A, member RAS oncogene family; minus strand). Cytogenetic location: 15q21.3.
Variant type: single nucleotide variant.
Coding change: c.468-4C>T on transcript NM_183235.3 (MANE Select); 4 bases into the intron before coding-DNA position 468, C replaced by T.
Molecular consequence: intron variant.
Genome position (GRCh38, 1-based): chr15:55,205,709, G>A on the plus strand (C>T on the coding strand, the complement: RAB27A is on the minus strand). VCF-style: chr15-55205709-G-A. GRCh37 (hg19) VCF-style: chr15-55497907-G-A.
Other names: c.468-4C>T (NM_001438970.1, NM_001438977.1, NM_001438975.1 and 11 more transcripts).
Identifiers: ClinVar variation 752729 (VCV000752729.11), dbSNP rs371060436, ClinGen allele CA7573553.